The following is an entry in ClinVar:

NM_001244008.2(KIF1A):c.4329C>A (p.Arg1443=)

Gene: KIF1A (kinesin family member 1A; minus strand). Cytogenetic location: 2q37.3.
Variant type: single nucleotide variant.
Coding change: c.4329C>A on transcript NM_001244008.2 (MANE Select); coding-DNA position 4329, C replaced by A.
Protein change: p.Arg1443=; no amino-acid change (arginine 1443 retained).
Molecular consequence: synonymous variant.
Genome position (GRCh38, 1-based): chr2:240,723,548, G>T on the plus strand (C>A on the coding strand, the complement: KIF1A is on the minus strand). VCF-style: chr2-240723548-G-T. GRCh37 (hg19) VCF-style: chr2-241662965-G-T.
Other names: c.4053C>A, p.Arg1351= (NM_001320705.2, NM_001379649.1); c.4080C>A, p.Arg1360= (NM_001330289.2); c.4128C>A, p.Arg1376= (NM_001330290.2, NM_001379648.1); c.4404C>A, p.Arg1468= (NM_001379631.1); c.4305C>A, p.Arg1435= (NM_001379632.1); c.4302C>A, p.Arg1434= (NM_001379633.1, NM_001379645.1); c.4155C>A, p.Arg1385= (NM_001379634.1); c.4152C>A, p.Arg1384= (NM_001379635.1, NM_001379646.1); and 7 more.
Identifiers: ClinVar variation 2050632 (VCV002050632.20), dbSNP rs2045649020, ClinGen allele CA432017060.
Genomic context (GRCh38, chr2:240,723,548, plus strand): 5'-TGCCAGGTTCTCCTCGCCCCGGACATAGGCCACAGATGTGTCCAGGACTCGTCGGCGCCG[G>T]CGCTGCATCCCTGCATGGGGCACGTGGACATTCCACCCCTACCTGATGGGTGGCTGCTCC-3'
Protein context (NP_001230937.1, residues 1433-1453): VADAGSPGMQ[Arg1443=]RRRRVLDTSV

ClinVar aggregate classification (germline): Likely benign. Review status: criteria provided, multiple submitters, no conflicts (2 of 4 stars). 4 submissions from 4 submitters: Likely benign (4). Last evaluated 2025-01-23.

Conditions:
KIF1A-related disorder. Also called: KIF1A-related disorders; KIF1A-related condition.
Neuropathy, hereditary sensory, type 2C. Also called: Hereditary sensory and autonomic neuropathy type IIC; KIF1A-Related HSAN2 (HSAN2C). Identifiers: Orphanet 970, MedGen C3280168, MONDO:0013634, OMIM 614213.
Intellectual disability, autosomal dominant 9 (NESCAVS). Also called: NESCAV SYNDROME; KIF1A-Related Neurodevelopmental Disorder. Identifiers: Orphanet 662367, MedGen C5393830, MONDO:0013656, OMIM 614255.
Hereditary spastic paraplegia 30. Identifiers: Orphanet 101010, MedGen C5235139, MONDO:0012476.

gnomAD v4.1: 1 of 1,536,782 alleles (0.000065%); highest among the groups gnomAD compares: Admixed American, 0.0019%; no homozygotes.

Submissions (4):

PreventionGenetics, part of Exact Sciences
Classification: Likely benign for KIF1A-related condition. Last evaluated: 2025-01-23. Review status: criteria provided, single submitter. Criteria: ACMG Guidelines, 2015. Collection method: clinical testing. Allele origin: germline.
Comment: This variant is classified as likely benign based on ACMG/AMP sequence variant interpretation guidelines (Richards et al. 2015 PMID: 25741868, with internal and published modifications).

CeGaT Center for Human Genetics Tuebingen
Classification: Likely benign. Last evaluated: 2024-10-01. Review status: criteria provided, single submitter. Criteria: CeGaT Center For Human Genetics Tuebingen Variant Classification Criteria Version 2. Collection method: clinical testing. Allele origin: germline. Affected: yes. Observed: 1 variant allele.
Comment: KIF1A: BP4, BP7

Athena Diagnostics
Classification: Likely benign. Last evaluated: 2024-02-14. Review status: criteria provided, single submitter. Criteria: Athena Diagnostics Criteria. Collection method: clinical testing. Allele origin: unknown.

Labcorp Genetics (formerly Invitae), Labcorp
Classification: Likely benign for Hereditary spastic paraplegia 30; Neuropathy, hereditary sensory, type 2C; Intellectual disability, autosomal dominant 9. Last evaluated: 2023-04-17. Review status: criteria provided, single submitter. Criteria: Invitae Variant Classification Sherloc (09022015). Collection method: clinical testing. Allele origin: germline.